The following is an entry in ClinVar:

NM_000051.4(ATM):c.6452+6A>C

Genes: ATM (ATM serine/threonine kinase; plus strand), C11orf65 (chromosome 11 open reading frame 65; minus strand). Cytogenetic location: 11q22.3.
Variant type: single nucleotide variant.
Coding change: c.6452+6A>C on transcript NM_000051.4 (MANE Select); 6 bases into the intron after coding-DNA position 6452, A replaced by C.
Molecular consequence: intron variant.
Genome position (GRCh38, 1-based): chr11:108,320,064, A>C. VCF-style: chr11-108320064-A-C. GRCh37 (hg19) VCF-style: chr11-108190791-A-C.
Other names: c.6452+6A>C (NM_001351834.2); c.641-10993T>G (NM_001330368.2); c.*39-10993T>G (NM_001351110.2).
Identifiers: ClinVar variation 4712615 (VCV004712615.1).
Genomic context (GRCh38, chr11:108,320,064, plus strand): 5'-AATCTCTAAGAGACAGAGAATTCTCTACATTTTATGAAAGTCTCAAATATGCCAGGTATT[A>C]TGAAAAGACAAAGTTACTGTATTTTAACATTTAATGTCATGGCTTCTTTTCTGAAAACTT-3'

ClinVar aggregate classification (germline): Uncertain significance (1 of 4 stars; one submission).

Conditions:
Ataxia-telangiectasia syndrome (AT). Also called: Ataxia-telangiectasia, complementation group D; AT, COMPLEMENTATION GROUP C; ATAXIA-TELANGIECTASIA, COMPLEMENTATION GROUP A; ATAXIA-TELANGIECTASIA, FRESNO VARIANT; Ataxia-telangiectasia; Ataxia-telangiectasia, complementation group E. Identifiers: Orphanet 100, MedGen C0004135, MONDO:0008840, OMIM 208900.

gnomAD v4.1: 1 of 1,561,160 alleles (0.000064%); highest among the groups gnomAD compares: South Asian, 0.0011%; no homozygotes.

Submission:

Labcorp Genetics (formerly Invitae), Labcorp
Classification: Uncertain significance for Ataxia-telangiectasia syndrome. Last evaluated: 2025-02-09. Review status: criteria provided, single submitter. Criteria: Invitae Variant Classification Sherloc (09022015). Collection method: clinical testing. Allele origin: germline.
Comment: This sequence change falls in intron 44 of the ATM gene. It does not directly change the encoded amino acid sequence of the ATM protein. It affects a nucleotide within the consensus splice site. This variant is present in population databases (no rsID available, gnomAD 0.003%). This variant has not been reported in the literature in individuals affected with ATM-related conditions. Variants that disrupt the consensus splice site are a relatively common cause of aberrant splicing (PMID: 17576681, 9536098). Algorithms developed to predict the effect of sequence changes on RNA splicing suggest that this variant is not likely to affect RNA splicing. In summary, the available evidence is currently insufficient to determine the role of this variant in disease. Therefore, it has been classified as a Variant of Uncertain Significance.

Literature cited by the submitters: PubMed 17576681; PubMed 9536098.